The following is an entry in ClinVar:

NM_000334.4(SCN4A):c.4678C>A (p.Pro1560Thr)

Genes: GH-LCR (growth hormone locus control region; plus strand), SCN4A (sodium voltage-gated channel alpha subunit 4; minus strand). Cytogenetic location: 17q23.3.
Variant type: single nucleotide variant.
Coding change: c.4678C>A on transcript NM_000334.4 (MANE Select); coding-DNA position 4678, C replaced by A.
Protein change: p.Pro1560Thr; replaces proline 1560 with threonine.
Molecular consequence: missense variant.
Genome position (GRCh38, 1-based): chr17:63,941,604, G>T on the plus strand (C>A on the coding strand, the complement: SCN4A is on the minus strand). VCF-style: chr17-63941604-G-T. GRCh37 (hg19) VCF-style: chr17-62018964-G-T.
Other names: short protein forms P1560T.
Identifiers: ClinVar variation 2048185 (VCV002048185.4), dbSNP rs757538531, ClinGen allele CA400615482.

ClinVar aggregate classification (germline): Uncertain significance (1 of 4 stars; one submission).

Conditions:
Hyperkalemic periodic paralysis. Also called: Familial hyperkalemic periodic paralysis; Gamstorp disease. Identifiers: Orphanet 682, MedGen C0238357, MONDO:0008224, OMIM 170500, HP:0007215.

Submission:

Labcorp Genetics (formerly Invitae), Labcorp
Classification: Uncertain significance for Hyperkalemic periodic paralysis. Last evaluated: 2021-12-19. Review status: criteria provided, single submitter. Criteria: Invitae Variant Classification Sherloc (09022015). Collection method: clinical testing. Allele origin: germline.
Comment: This variant is not present in population databases (gnomAD no frequency). In summary, the available evidence is currently insufficient to determine the role of this variant in disease. Therefore, it has been classified as a Variant of Uncertain Significance. Algorithms developed to predict the effect of missense changes on protein structure and function are either unavailable or do not agree on the potential impact of this missense change (SIFT: "Deleterious"; PolyPhen-2: "Probably Damaging"; Align-GVGD: "Class C0"). This variant has not been reported in the literature in individuals affected with SCN4A-related conditions. This sequence change replaces proline, which is neutral and non-polar, with threonine, which is neutral and polar, at codon 1560 of the SCN4A protein (p.Pro1560Thr).